The following is an entry in ClinVar:

ClinVar aggregate classification (germline): Uncertain significance (1 of 4 stars; one submission).

Submission:

Ambry Genetics
Classification: Uncertain significance. Last evaluated: 2026-09-14. Review status: criteria provided, single submitter. Criteria: Ambry Variant Classification Scheme 2023. Collection method: clinical testing. Allele origin: germline.
Comment: The p.R1176P variant (also known as c.3527G>C), located in coding exon 14 of the WNK2 gene, results from a G to C substitution at nucleotide position 3527. The arginine at codon 1176 is replaced by proline, an amino acid with dissimilar properties. This amino acid position is conserved. In addition, the in silico prediction for this alteration is inconclusive. Based on the available evidence, the clinical significance of this variant remains unclear.

NM_006648.4(WNK2):c.3527G>C (p.Arg1176Pro)

Gene: WNK2 (WNK lysine deficient protein kinase 2; plus strand). Cytogenetic location: 9q22.31.
Variant type: single nucleotide variant.
Coding change: c.3527G>C on transcript NM_006648.4 (MANE Select); coding-DNA position 3527, G replaced by C.
Protein change: p.Arg1176Pro; replaces arginine 1176 with proline.
Molecular consequence: missense variant.
Genome position (GRCh38, 1-based): chr9:93,263,682, G>C. VCF-style: chr9-93263682-G-C. GRCh37 (hg19) VCF-style: chr9-96025964-G-C.
Other names: c.3527G>C, p.Arg1176Pro (NM_001282394.3); short protein forms R1176P.
Identifiers: ClinVar variation 5031996 (VCV005031996.1).